The following is an entry in ClinVar:

ClinVar aggregate classification (germline): Uncertain significance. Review status: criteria provided, multiple submitters, no conflicts (2 of 4 stars). 2 submissions from 2 submitters: Uncertain significance (2). Last evaluated 2026-01-09.

Conditions:
Norman-Roberts syndrome (LIS2). Also called: Lissencephaly 2 (Norman-Roberts type). Identifiers: Orphanet 89844, MedGen C0796089, MONDO:0009760, OMIM 257320.
Familial temporal lobe epilepsy 7. Identifiers: Orphanet 101046, MedGen C4225327, MONDO:0014639, OMIM 616436.
Inborn genetic diseases. Identifiers: MedGen C0950123, MeSH D030342.

gnomAD v4.1: 2 of 1,613,042 alleles (0.00012%); highest among the groups gnomAD compares: Non-Finnish European, 0.00017%; no homozygotes.

Submissions (2):

Ambry Genetics
Classification: Uncertain significance for Inborn genetic diseases. Last evaluated: 2026-01-09. Review status: criteria provided, single submitter. Criteria: Ambry Variant Classification Scheme 2023. Collection method: clinical testing. Allele origin: germline.

Labcorp Genetics (formerly Invitae), Labcorp
Classification: Uncertain significance for Familial temporal lobe epilepsy 7; Norman-Roberts syndrome. Last evaluated: 2024-06-25. Review status: criteria provided, single submitter. Criteria: Invitae Variant Classification Sherloc (09022015). Collection method: clinical testing. Allele origin: germline.
Comment: This sequence change replaces arginine, which is basic and polar, with proline, which is neutral and non-polar, at codon 2738 of the RELN protein (p.Arg2738Pro). This variant is not present in population databases (gnomAD no frequency). This variant has not been reported in the literature in individuals affected with RELN-related conditions. Advanced modeling of protein sequence and biophysical properties (such as structural, functional, and spatial information, amino acid conservation, physicochemical variation, residue mobility, and thermodynamic stability) performed at Invitae indicates that this missense variant is not expected to disrupt RELN protein function with a negative predictive value of 80%. In summary, the available evidence is currently insufficient to determine the role of this variant in disease. Therefore, it has been classified as a Variant of Uncertain Significance.

NM_005045.4(RELN):c.8213G>C (p.Arg2738Pro)

Genes: RELN (reelin; minus strand), SLC26A5-AS1 (SLC26A5 antisense RNA 1; plus strand). Cytogenetic location: 7q22.1.
Variant type: single nucleotide variant.
Coding change: c.8213G>C on transcript NM_005045.4 (MANE Select); coding-DNA position 8213, G replaced by C.
Protein change: p.Arg2738Pro; replaces arginine 2738 with proline.
Molecular consequence: missense variant.
Genome position (GRCh38, 1-based): chr7:103,510,912, C>G on the plus strand (G>C on the coding strand, the complement: RELN is on the minus strand). VCF-style: chr7-103510912-C-G. GRCh37 (hg19) VCF-style: chr7-103151359-C-G.
Other names: c.8213G>C (NM_005045.3); c.8213G>C, p.Arg2738Pro (NM_173054.3); short protein forms R2738P.
Identifiers: ClinVar variation 3752513 (VCV003752513.3).
Genomic context (GRCh38, chr7:103,510,912, plus strand): 5'-TTGAATTGCATAATCCAGCCTTCAGTGGGAGTCAGGTCATGGGTCACTGCATACACCTCC[C>G]GTCCATCATGACTGCCACAGAGCATCACACCATCAGGGGAGTCACAGAATCTTTCTACTG-3'
Protein context (NP_005036.2, residues 2728-2748): GVMLCGSHDG[Arg2738Pro]EVYAVTHDLT